The following is an entry in ClinVar:

ClinVar aggregate classification (germline): Uncertain significance (1 of 4 stars; one submission).

Conditions:
Norman-Roberts syndrome (LIS2). Also called: Lissencephaly 2 (Norman-Roberts type). Identifiers: Orphanet 89844, MedGen C0796089, MONDO:0009760, OMIM 257320.
Familial temporal lobe epilepsy 7. Identifiers: Orphanet 101046, MedGen C4225327, MONDO:0014639, OMIM 616436.

Allele frequency attached by ClinVar (database versions not stated): gnomAD exomes below 0.00001.

Submission:

Labcorp Genetics (formerly Invitae), Labcorp
Classification: Uncertain significance for Familial temporal lobe epilepsy 7; Norman-Roberts syndrome. Last evaluated: 2022-11-01. Review status: criteria provided, single submitter. Criteria: Invitae Variant Classification Sherloc (09022015). Collection method: clinical testing. Allele origin: germline.
Comment: In summary, the available evidence is currently insufficient to determine the role of this variant in disease. Therefore, it has been classified as a Variant of Uncertain Significance. Advanced modeling of protein sequence and biophysical properties (such as structural, functional, and spatial information, amino acid conservation, physicochemical variation, residue mobility, and thermodynamic stability) performed at Invitae indicates that this missense variant is not expected to disrupt RELN protein function. This variant has not been reported in the literature in individuals affected with RELN-related conditions. This variant is not present in population databases (gnomAD no frequency). This sequence change replaces serine, which is neutral and polar, with cysteine, which is neutral and slightly polar, at codon 2391 of the RELN protein (p.Ser2391Cys).

NM_005045.4(RELN):c.7172C>G (p.Ser2391Cys)

Gene: RELN (reelin; minus strand). Cytogenetic location: 7q22.1.
Variant type: single nucleotide variant.
Coding change: c.7172C>G on transcript NM_005045.4 (MANE Select); coding-DNA position 7172, C replaced by G.
Protein change: p.Ser2391Cys; replaces serine 2391 with cysteine.
Molecular consequence: missense variant.
Genome position (GRCh38, 1-based): chr7:103,539,086, G>C on the plus strand (C>G on the coding strand, the complement: RELN is on the minus strand). VCF-style: chr7-103539086-G-C. GRCh37 (hg19) VCF-style: chr7-103179533-G-C.
Other names: c.7172C>G, p.Ser2391Cys (NM_173054.3); short protein forms S2391C.
Identifiers: ClinVar variation 1362293 (VCV001362293.8), dbSNP rs2117126476, ClinGen allele CA368768990.